The following is an entry in ClinVar:

NM_000206.3(IL2RG):c.294del (p.Val99fs)

Gene: IL2RG (interleukin 2 receptor subunit gamma; minus strand). Cytogenetic location: Xq13.1.
Variant type: Deletion.
Coding change: c.294del on transcript NM_000206.3 (MANE Select); coding-DNA position 294, one base deleted (A; older notation c.294delA).
Protein change: p.Val99fs; shifts the reading frame from valine 99.
Molecular consequence: frameshift variant.
Genome position (GRCh38, 1-based): chrX:71,110,664, T deleted on the plus strand (A on the coding strand, the reverse complement: IL2RG is on the minus strand); the first of 3 consecutive T bases (chrX:71,110,664-71,110,666); deleting any one gives the same sequence. VCF-style (leftmost placement, unchanged base first): chrX-71110663-CT-C. GRCh37 (hg19) VCF-style: chrX-70330513-CT-C.
Other names: c.294delA (NM_000206.3); short protein forms V99fs.
Identifiers: ClinVar variation 858175 (VCV000858175.8), dbSNP rs2092261618, ClinGen allele CA916081270.

ClinVar aggregate classification (germline): Pathogenic. Review status: criteria provided, multiple submitters, no conflicts (2 of 4 stars). 2 submissions from 2 submitters: Pathogenic (2). Last evaluated 2019-03-25.

Conditions:
X-linked severe combined immunodeficiency (SCIDX1). Also called: T-B+ severe combined immunodeficiency due to gamma chain deficiency; SCID, X-LINKED; SEVERE COMBINED IMMUNODEFICIENCY, X-LINKED, T CELL-NEGATIVE, B CELL-POSITIVE, NK CELL-NEGATIVE; IMMUNODEFICIENCY 4; X-Linked Combined Immunodeficiency Diseases. Identifiers: Orphanet 276, MedGen C6022468, MONDO:0010315, OMIM 300400. Disease mechanism: loss of function.

Submissions (2):

Labcorp Genetics (formerly Invitae), Labcorp
Classification: Pathogenic for X-linked severe combined immunodeficiency. Last evaluated: 2019-03-25. Review status: criteria provided, single submitter. Criteria: Invitae Variant Classification Sherloc (09022015). Collection method: clinical testing. Allele origin: germline.
Comment: This variant has not been reported in the literature in individuals with IL2RG-related conditions. For these reasons, this variant has been classified as Pathogenic. Loss-of-function variants in IL2RG are known to be pathogenic (PMID: 9058718, 10794430). This variant is not present in population databases (ExAC no frequency). This sequence change creates a premature translational stop signal (p.Val99Serfs*48) in the IL2RG gene. It is expected to result in an absent or disrupted protein product.

Lifecell International Pvt. Ltd
Classification: Pathogenic for X-linked severe combined immunodeficiency. Review status: criteria provided, single submitter. Criteria: ACMG Guidelines, 2015. Collection method: clinical testing. Allele origin: germline. Inheritance: X-linked recessive inheritance. Affected: yes. Observed: 1 hemizygote.
Comment: A Hemizygote Frameshift variant c.294delA in Exon 3 of the IL2RG gene that results in the amino acid substitution p.Val99fs*48 was identified. The observed variant has a miniimum allele frequency of 00/00% in gnomAD exomes and genomes, respectively. The severity of the impact of this variant on the protein is high, based on the effect of the protein and REVEL score . Rare Exome Variant Ensemble Learner (REVEL) is an ensembl method for predicting the pathogenicity of missense variants based on a combination of scores from 13 individual tools: MutPred, FATHMM v2.3, VEST 3.0, PolyPhen-2, SIFT, PROVEAN, MutationAssessor, MutationTaster, LRT, GERP++, SiPhy, phyloP, and phastCons. The REVEL score for an individual missense variant can range from 0 to 1, with higher scores reflecting greater likelihood that the variant is disease-causing. ClinVar has also classified this variant as Pathogenic( variant ID 858175). This variant has been observed in many individuals affected with Severe combined immunodeficiency, X-linked reported by (Niemela JE, et al., 2000). Based on the above evidence this variant has been classified as Pathogenic according to the ACMG guidelines.

Literature cited by the submitters: PubMed 9058718 (cited by Labcorp Genetics (formerly Invitae), Labcorp); PubMed 10794430 (cited by Labcorp Genetics (formerly Invitae), Labcorp and Lifecell International Pvt. Ltd).